The following is an entry in ClinVar:

NM_005141.5(FGB):c.993del (p.Gln331fs)

Gene: FGB (fibrinogen beta chain; plus strand). Cytogenetic location: 4q31.3.
Variant type: Deletion.
Coding change: c.993del on transcript NM_005141.5 (MANE Select); coding-DNA position 993, one base deleted (G; older notation c.993delG).
Protein change: p.Gln331fs; shifts the reading frame from glutamine 331.
Molecular consequence: frameshift variant. On other transcripts: intron variant (1).
Genome position (GRCh38, 1-based): chr4:154,569,548, G deleted. VCF-style (leftmost placement, unchanged base first): chr4-154569547-AG-A. GRCh37 (hg19) VCF-style: chr4-155490699-AG-A.
Other names: c.816del, p.Gln272fs (NM_001184741.1); c.861del, p.Gln287fs (NM_001382759.1); c.993del, p.Gln331fs (NM_001382760.1, NM_001382761.1, NM_001382764.1 and 1 more transcripts); c.984del, p.Gln328fs (NM_001382763.1); c.746-53del (NM_001382762.1); short protein forms Q272fs, Q328fs, Q287fs, Q331fs.
Identifiers: ClinVar variation 5002647 (VCV005002647.1).

ClinVar aggregate classification (germline): Likely pathogenic (1 of 4 stars; one submission).

Conditions:
FGB-related disorder. Also called: FGB-related condition.

Submission:

PreventionGenetics, part of Exact Sciences
Classification: Likely pathogenic for FGB-related condition. Last evaluated: 2025-07-15. Review status: criteria provided, single submitter. Criteria: ACMG Guidelines, 2015. Collection method: clinical testing. Allele origin: germline.
Comment: The FGB c.993delG variant is predicted to result in a frameshift and premature protein termination (p.Gln331Hisfs*11). To our knowledge, this variant has not been reported in the literature or in a large population database (gnomAD), indicating this variant is rare. Frameshift variants in FGB are expected to be pathogenic. This variant is interpreted as likely pathogenic.